The following is an entry in ClinVar:

ClinVar aggregate classification (germline): Uncertain significance (1 of 4 stars; one submission).

Conditions:
Arrhythmogenic right ventricular dysplasia 8 (ARVD8). Also called: ARRHYTHMOGENIC RIGHT VENTRICULAR DYSPLASIA, FAMILIAL, 8; ARRHYTHMOGENIC RIGHT VENTRICULAR CARDIOMYOPATHY 8; Arrhythmogenic Right Ventricular Dysplasia/Cardiomyopathy 8. Identifiers: MedGen C1843896, MONDO:0011831, OMIM 607450.
Arrhythmogenic cardiomyopathy with wooly hair and keratoderma. Also called: Dilated cardiomyopathy with woolly hair and keratoderma; Arrhythmogenic cardiomyopathy with woolly hair and keratoderma; PALMOPLANTAR KERATODERMA WITH LEFT VENTRICULAR CARDIOMYOPATHY AND WOOLLY HAIR; Carvajal syndrome. Identifiers: Orphanet 65282, MedGen C1854063, MONDO:0011581, OMIM 605676.

Submission:

Labcorp Genetics (formerly Invitae), Labcorp
Classification: Uncertain significance for Arrhythmogenic cardiomyopathy with wooly hair and keratoderma; Arrhythmogenic right ventricular dysplasia 8. Last evaluated: 2022-11-01. Review status: criteria provided, single submitter. Criteria: Invitae Variant Classification Sherloc (09022015). Collection method: clinical testing. Allele origin: germline.
Comment: In summary, the available evidence is currently insufficient to determine the role of this variant in disease. Therefore, it has been classified as a Variant of Uncertain Significance. Algorithms developed to predict the effect of missense changes on protein structure and function (SIFT, PolyPhen-2, Align-GVGD) all suggest that this variant is likely to be tolerated. This variant has not been reported in the literature in individuals affected with DSP-related conditions. This variant is not present in population databases (gnomAD no frequency). This sequence change replaces isoleucine, which is neutral and non-polar, with phenylalanine, which is neutral and non-polar, at codon 1260 of the DSP protein (p.Ile1260Phe).

NM_004415.4(DSP):c.3778A>T (p.Ile1260Phe)

Gene: DSP (desmoplakin; plus strand). Cytogenetic location: 6p24.3.
Variant type: single nucleotide variant.
Coding change: c.3778A>T on transcript NM_004415.4 (MANE Select); coding-DNA position 3778, A replaced by T.
Protein change: p.Ile1260Phe; replaces isoleucine 1260 with phenylalanine.
Molecular consequence: missense variant. On other transcripts: intron variant (1).
Genome position (GRCh38, 1-based): chr6:7,579,968, A>T. VCF-style: chr6-7579968-A-T. GRCh37 (hg19) VCF-style: chr6-7580201-A-T.
Other names: c.3778A>T, p.Ile1260Phe (NM_001319034.2); c.3582+196A>T (NM_001008844.3); short protein forms I1260F.
Identifiers: ClinVar variation 1952303 (VCV001952303.5), dbSNP rs2533925831, ClinGen allele CA362684836.